The following is an entry in ClinVar:

ClinVar aggregate classification (germline): Uncertain significance. Review status: criteria provided, multiple submitters, no conflicts (2 of 4 stars). 2 submissions from 2 submitters: Uncertain significance (2). Last evaluated 2025-02-24.

Conditions:
Intellectual developmental disorder, autosomal dominant 1. Also called: MBD5 Haploinsufficiency; Intellectual disability, autosomal dominant 1. Identifiers: Orphanet 228402, MedGen C1969562, MONDO:0007974, OMIM 156200.

Submissions (2):

GeneDx
Classification: Uncertain significance. Last evaluated: 2025-02-24. Review status: criteria provided, single submitter. Criteria: GeneDx Variant Classification Process June 2021. Collection method: clinical testing. Allele origin: germline. Affected: yes.
Comment: Not observed at significant frequency in large population cohorts (gnomAD); In silico analysis indicates that this missense variant does not alter protein structure/function; Has not been previously published as pathogenic or benign to our knowledge

Labcorp Genetics (formerly Invitae), Labcorp
Classification: Uncertain significance for Intellectual developmental disorder, autosomal dominant 1. Last evaluated: 2024-12-07. Review status: criteria provided, single submitter. Criteria: Invitae Variant Classification Sherloc (09022015). Collection method: clinical testing. Allele origin: germline.
Comment: This sequence change replaces histidine, which is basic and polar, with glutamine, which is neutral and polar, at codon 120 of the MBD5 protein (p.His120Gln). This variant is not present in population databases (gnomAD no frequency). This variant has not been reported in the literature in individuals affected with MBD5-related conditions. Invitae Evidence Modeling of protein sequence and biophysical properties (such as structural, functional, and spatial information, amino acid conservation, physicochemical variation, residue mobility, and thermodynamic stability) indicates that this missense variant is not expected to disrupt MBD5 protein function with a negative predictive value of 80%. In summary, the available evidence is currently insufficient to determine the role of this variant in disease. Therefore, it has been classified as a Variant of Uncertain Significance.

NM_001378120.1(MBD5):c.360T>G (p.His120Gln)

Gene: MBD5 (methyl-CpG binding domain protein 5; plus strand). Cytogenetic location: 2q23.1.
Variant type: single nucleotide variant.
Coding change: c.360T>G on transcript NM_001378120.1 (MANE Select); coding-DNA position 360, T replaced by G.
Protein change: p.His120Gln; replaces histidine 120 with glutamine.
Molecular consequence: missense variant.
Genome position (GRCh38, 1-based): chr2:148,463,882, T>G. VCF-style: chr2-148463882-T-G. GRCh37 (hg19) VCF-style: chr2-149221451-T-G.
Other names: c.360T>G, p.His120Gln (NM_018328.5); c.360T>G (NM_018328.4); short protein forms H120Q.
Identifiers: ClinVar variation 3711543 (VCV003711543.3).